The following is an entry in ClinVar:

NM_000535.7(PMS2):c.368C>G (p.Ser123Cys)

Gene: PMS2 (PMS1 homolog 2, mismatch repair system component; minus strand). Cytogenetic location: 7p22.1.
Variant type: single nucleotide variant.
Coding change: c.368C>G on transcript NM_000535.7 (MANE Select); coding-DNA position 368, C replaced by G.
Protein change: p.Ser123Cys; replaces serine 123 with cysteine.
Molecular consequence: missense variant. On other transcripts: non-coding transcript variant (1), 5 prime UTR variant (8).
Genome position (GRCh38, 1-based): chr7:6,002,622, G>C on the plus strand (C>G on the coding strand, the complement: PMS2 is on the minus strand). VCF-style: chr7-6002622-G-C. GRCh37 (hg19) VCF-style: chr7-6042253-G-C.
Other names: c.368C>G, p.Ser123Cys (NM_001322014.2, NM_001322006.2); c.59C>G, p.Ser20Cys (NM_001322015.2); c.-38C>G (NM_001322003.2, NM_001322004.2, NM_001322005.2 and 3 more transcripts); c.50C>G, p.Ser17Cys (NM_001322007.2, NM_001322008.2); c.-517C>G (NM_001322011.2, NM_001322012.2); short protein forms S123C, S20C, S17C.
Identifiers: ClinVar variation 573299 (VCV000573299.8), dbSNP rs1562690595, ClinGen allele CA366744487.

ClinVar aggregate classification (germline): Uncertain significance (1 of 4 stars; one submission).

Conditions:
Hereditary nonpolyposis colorectal neoplasms. Identifiers: MedGen C0009405, MeSH D003123.

Submission:

Labcorp Genetics (formerly Invitae), Labcorp
Classification: Uncertain significance for Hereditary nonpolyposis colorectal neoplasms. Last evaluated: 2022-02-08. Review status: criteria provided, single submitter. Criteria: Invitae Variant Classification Sherloc (09022015). Collection method: clinical testing. Allele origin: germline.
Comment: This sequence change replaces serine, which is neutral and polar, with cysteine, which is neutral and slightly polar, at codon 123 of the PMS2 protein (p.Ser123Cys). This variant is not present in population databases (gnomAD no frequency). This variant has not been reported in the literature in individuals affected with PMS2-related conditions. ClinVar contains an entry for this variant (Variation ID: 573299). Advanced modeling of protein sequence and biophysical properties (such as structural, functional, and spatial information, amino acid conservation, physicochemical variation, residue mobility, and thermodynamic stability) performed at Invitae indicates that this missense variant is not expected to disrupt PMS2 protein function. In summary, the available evidence is currently insufficient to determine the role of this variant in disease. Therefore, it has been classified as a Variant of Uncertain Significance.